The following is an entry in ClinVar:

ClinVar aggregate classification (germline): Uncertain significance (1 of 4 stars; one submission).

Submission:

Labcorp Genetics (formerly Invitae), Labcorp
Classification: Uncertain significance. Last evaluated: 2025-07-06. Review status: criteria provided, single submitter. Criteria: Invitae Variant Classification Sherloc (09022015). Collection method: clinical testing. Allele origin: germline.
Comment: This sequence change replaces arginine, which is basic and polar, with threonine, which is neutral and polar, at codon 165 of the SETD5 protein (p.Arg165Thr). This variant is not present in population databases (gnomAD no frequency). This variant has not been reported in the literature in individuals affected with SETD5-related conditions. Invitae Evidence Modeling of protein sequence and biophysical properties (such as structural, functional, and spatial information, amino acid conservation, physicochemical variation, residue mobility, and thermodynamic stability) indicates that this missense variant is not expected to disrupt SETD5 protein function with a negative predictive value of 80%. In summary, the available evidence is currently insufficient to determine the role of this variant in disease. Therefore, it has been classified as a Variant of Uncertain Significance.

NM_001080517.3(SETD5):c.494G>C (p.Arg165Thr)

Gene: SETD5 (SET domain containing 5; plus strand). Cytogenetic location: 3p25.3.
Variant type: single nucleotide variant.
Coding change: c.494G>C on transcript NM_001080517.3 (MANE Select); coding-DNA position 494, G replaced by C.
Protein change: p.Arg165Thr; replaces arginine 165 with threonine.
Molecular consequence: missense variant.
Genome position (GRCh38, 1-based): chr3:9,435,833, G>C. VCF-style: chr3-9435833-G-C. GRCh37 (hg19) VCF-style: chr3-9477517-G-C.
Other names: c.161G>C, p.Arg54Thr (NM_001292043.2, NM_001349451.2); c.551G>C, p.Arg184Thr (NM_001437633.1, NM_001437635.1); c.494G>C, p.Arg165Thr (NM_001437643.1, NM_001437701.1); short protein forms R165T, R54T, R184T.
Identifiers: ClinVar variation 4742029 (VCV004742029.1).